The following is an entry in ClinVar:

ClinVar aggregate classification (germline): Uncertain significance (1 of 4 stars; one submission).

Submission:

Labcorp Genetics (formerly Invitae), Labcorp
Classification: Uncertain significance. Last evaluated: 2024-01-22. Review status: criteria provided, single submitter. Criteria: Invitae Variant Classification Sherloc (09022015). Collection method: clinical testing. Allele origin: germline.
Comment: This sequence change falls in intron 33 of the ITPR1 gene. It does not directly change the encoded amino acid sequence of the ITPR1 protein. It affects a nucleotide within the consensus splice site. This variant is not present in population databases (gnomAD no frequency). This variant has not been reported in the literature in individuals affected with ITPR1-related conditions. Variants that disrupt the consensus splice site are a relatively common cause of aberrant splicing (PMID: 17576681, 9536098). Algorithms developed to predict the effect of sequence changes on RNA splicing suggest that this variant is not likely to affect RNA splicing. In summary, the available evidence is currently insufficient to determine the role of this variant in disease. Therefore, it has been classified as a Variant of Uncertain Significance.

Literature cited by the submitters: PubMed 17576681; PubMed 9536098.

NM_001378452.1(ITPR1):c.4408-3C>T

Gene: ITPR1 (inositol 1,4,5-trisphosphate receptor type 1; plus strand). Cytogenetic location: 3p26.1.
Variant type: single nucleotide variant.
Coding change: c.4408-3C>T on transcript NM_001378452.1 (MANE Select); 3 bases into the intron before coding-DNA position 4408, C replaced by T.
Molecular consequence: intron variant.
Genome position (GRCh38, 1-based): chr3:4,699,810, C>T. VCF-style: chr3-4699810-C-T. GRCh37 (hg19) VCF-style: chr3-4741494-C-T.
Other names: c.4381-3C>T (NM_001099952.4); c.4363-3C>T (NM_001168272.2); c.4336-3C>T (NM_002222.7).
Identifiers: ClinVar variation 2719877 (VCV002719877.3), dbSNP rs2469845099, ClinGen allele CA2577494006.